The following is an entry in ClinVar:

ClinVar aggregate classification (germline): Likely pathogenic (1 of 4 stars; one submission).

Conditions:
Hereditary spastic paraplegia 11. Also called: Spastic paraplegia, mental retardation and thin corpus callosum; Spastic Paraplegia 11; Nakamura Osame syndrome; Autosomal recessive hereditary spastic paraplegia, mental impairment, and thin corpus callosum; SPASTIC PARAPLEGIA, AUTOSOMAL RECESSIVE, COMPLICATED, WITH THIN CORPUS CALLOSUM; SPASTIC PARAPLEGIA, AUTOSOMAL RECESSIVE, WITH MENTAL IMPAIRMENT AND THIN CORPUS CALLOSUM. Identifiers: Orphanet 2822, MedGen C1858479, MONDO:0011445, OMIM 604360.

gnomAD v4.1: 7 of 1,613,640 alleles (0.00043%); highest among the groups gnomAD compares: Non-Finnish European, 0.00059%; no homozygotes.

Submission:

Labcorp Genetics (formerly Invitae), Labcorp
Classification: Likely pathogenic for Hereditary spastic paraplegia 11. Last evaluated: 2025-04-14. Review status: criteria provided, single submitter. Criteria: Invitae Variant Classification Sherloc (09022015). Collection method: clinical testing. Allele origin: germline.
Comment: This sequence change affects an acceptor splice site in intron 23 of the SPG11 gene. It is expected to disrupt RNA splicing. Variants that disrupt the donor or acceptor splice site typically lead to a loss of protein function (PMID: 16199547), and loss-of-function variants in SPG11 are known to be pathogenic (PMID: 19105190, 20110243, 22154821, 26556829). This variant is not present in population databases (gnomAD no frequency). This variant has not been reported in the literature in individuals affected with SPG11-related conditions. Algorithms developed to predict the effect of sequence changes on RNA splicing suggest that this variant may disrupt the consensus splice site. In summary, the currently available evidence indicates that the variant is pathogenic, but additional data are needed to prove that conclusively. Therefore, this variant has been classified as Likely Pathogenic.

Literature cited by the submitters: PubMed 16199547; PubMed 19105190; PubMed 20110243; PubMed 22154821; PubMed 26556829.

NM_025137.4(SPG11):c.4002-1G>C

Gene: SPG11 (SPG11 vesicle trafficking associated, spatacsin; minus strand). Cytogenetic location: 15q21.1.
Variant type: single nucleotide variant.
Coding change: c.4002-1G>C on transcript NM_025137.4 (MANE Select); the canonical splice acceptor site of the intron before coding-DNA position 4002, G replaced by C.
Molecular consequence: splice acceptor variant.
Genome position (GRCh38, 1-based): chr15:44,596,944, C>G on the plus strand (G>C on the coding strand, the complement: SPG11 is on the minus strand). VCF-style: chr15-44596944-C-G. GRCh37 (hg19) VCF-style: chr15-44889142-C-G.
Other names: c.4002-1G>C (NM_001411132.1, NM_001160227.2).
Identifiers: ClinVar variation 4804658 (VCV004804658.1).